The following is an entry in ClinVar:

NM_001085411.3(NADK2):c.99_100delinsAT (p.Arg34Trp)

Genes: NADK2 (NAD kinase 2, mitochondrial; minus strand), LOC129993801 (ATAC-STARR-seq lymphoblastoid silent region 15972; plus strand). Cytogenetic location: 5p13.2.
Variant type: Indel.
Coding change: c.99_100delinsAT on transcript NM_001085411.3 (MANE Select); coding-DNA positions 99 to 100, GC replaced by AT.
Protein change: p.Arg34Trp; replaces arginine 34 with tryptophan.
Molecular consequence: missense variant. On other transcripts: intron variant (2).
Genome position (GRCh38, 1-based): chr5:36,241,699-36,241,700, GC replaced by AT on the plus strand (GC replaced by AT on the coding strand, the reverse complement: NADK2 is on the minus strand). VCF-style: chr5-36241699-GC-AT. GRCh37 (hg19) VCF-style: chr5-36241801-GC-AT.
Other names: c.-190+396_-190+397delinsAT (NM_153013.5, NM_001287341.2); short protein forms R34W.
Identifiers: ClinVar variation 658874 (VCV000658874.7), dbSNP rs1579649465, ClinGen allele CA915943362.

ClinVar aggregate classification (germline): Uncertain significance (1 of 4 stars; one submission).

Conditions:
Progressive encephalopathy with leukodystrophy due to DECR deficiency. Identifiers: Orphanet 431361, MedGen C1857252, MONDO:0014464, OMIM 616034.

Submission:

Labcorp Genetics (formerly Invitae), Labcorp
Classification: Uncertain significance for Progressive encephalopathy with leukodystrophy due to DECR deficiency. Last evaluated: 2025-12-22. Review status: criteria provided, single submitter. Criteria: Invitae Variant Classification Sherloc (09022015). Collection method: clinical testing. Allele origin: germline.
Comment: This sequence change replaces arginine, which is basic and polar, with tryptophan, which is neutral and slightly polar, at codon 34 of the NADK2 protein (p.Arg34Trp). The frequency data for this variant in the population databases is considered unreliable, as metrics indicate insufficient coverage at this position in the gnomAD database. This variant has not been reported in the literature in individuals affected with NADK2-related conditions. ClinVar contains an entry for this variant (Variation ID: 658874). Experimental studies and prediction algorithms are not available or were not evaluated, and the functional significance of this variant is currently unknown. In summary, the available evidence is currently insufficient to determine the role of this variant in disease. Therefore, it has been classified as a Variant of Uncertain Significance.